The following is an entry in ClinVar:

ClinVar aggregate classification (germline): Uncertain significance (1 of 4 stars; one submission).

gnomAD v4.1: 6 of 780,790 alleles (0.00077%); highest among the groups gnomAD compares: African/African-American, 0.0051%; no homozygotes.

Submission:

Labcorp Genetics (formerly Invitae), Labcorp
Classification: Uncertain significance. Last evaluated: 2024-06-12. Review status: criteria provided, single submitter. Criteria: Invitae Variant Classification Sherloc (09022015). Collection method: clinical testing. Allele origin: germline.
Comment: This sequence change affects codon 1047 of the ADCY1 mRNA. It is a 'silent' change, meaning that it does not change the encoded amino acid sequence of the ADCY1 protein. This variant is present in population databases (rs763848529, gnomAD 0.01%). This variant has not been reported in the literature in individuals affected with ADCY1-related conditions. Algorithms developed to predict the effect of sequence changes on RNA splicing suggest that this variant may create or strengthen a splice site. In summary, the available evidence is currently insufficient to determine the role of this variant in disease. Therefore, it has been classified as a Variant of Uncertain Significance.

NM_021116.4(ADCY1):c.3141C>T (p.Gly1047=)

Gene: ADCY1 (adenylate cyclase 1; plus strand). Cytogenetic location: 7p12.3.
Variant type: single nucleotide variant.
Coding change: c.3141C>T on transcript NM_021116.4 (MANE Select); coding-DNA position 3141, C replaced by T.
Protein change: p.Gly1047=; no amino-acid change (glycine 1047 retained).
Molecular consequence: synonymous variant.
Genome position (GRCh38, 1-based): chr7:45,713,776, C>T. VCF-style: chr7-45713776-C-T. GRCh37 (hg19) VCF-style: chr7-45753375-C-T.
Identifiers: ClinVar variation 3673638 (VCV003673638.2).